The following is an entry in ClinVar:

NM_001267550.2(TTN):c.19426+2T>A

Gene: TTN (titin; minus strand). Cytogenetic location: 2q31.2.
Variant type: single nucleotide variant.
Coding change: c.19426+2T>A on transcript NM_001267550.2 (MANE Select); the canonical splice donor site of the intron after coding-DNA position 19426, T replaced by A.
Molecular consequence: splice donor variant. On other transcripts: intron variant (3).
Genome position (GRCh38, 1-based): chr2:178,728,498, A>T on the plus strand (T>A on the coding strand, the complement: TTN is on the minus strand). VCF-style: chr2-178728498-A-T. GRCh37 (hg19) VCF-style: chr2-179593225-A-T.
Other names: c.13282+9584T>A (NM_003319.4); c.13858+9584T>A (NM_133437.4); c.13657+9584T>A (NM_133432.3); c.15694+2T>A (NM_133378.4); c.18475+2T>A (NM_001256850.1); c.19426+2T>A (NM_001267550.1).
Identifiers: ClinVar variation 179861 (VCV000179861.18), dbSNP rs727505178, ClinGen allele CA185292.

ClinVar aggregate classification (germline): Conflicting classifications of pathogenicity. Review status: criteria provided, conflicting classifications (1 of 4 stars). 7 submissions from 7 submitters: Pathogenic (2); Likely pathogenic (2); Uncertain significance (3). Last evaluated 2026-06-22.

Conditions:
TTN-related disorder. Also called: TTN-related condition; TTN-related disease; TTN-related disorders.
Dilated cardiomyopathy 1G (CMD1G). Identifiers: Orphanet 154, MedGen C1858763, MONDO:0011400, OMIM 604145.
Autosomal recessive limb-girdle muscular dystrophy type 2J (LGMDR10). Also called: Limb-girdle muscular dystrophy, type 2J; MUSCULAR DYSTROPHY, LIMB-GIRDLE, AUTOSOMAL RECESSIVE 10. Identifiers: Orphanet 140922, MedGen C1837342, MONDO:0012127, OMIM 608807.

Allele frequency attached by ClinVar (database versions not stated): gnomAD exomes 0.00001.
gnomAD v4.1: 15 of 1,605,738 alleles (0.00093%); highest among the groups gnomAD compares: Middle Eastern, 0.23%; no homozygotes.

Submissions (7):

PreventionGenetics, part of Exact Sciences
Classification: Pathogenic for TTN-related condition. Last evaluated: 2026-06-22. Review status: criteria provided, single submitter. Criteria: ACMG Guidelines, 2015. Collection method: clinical testing. Allele origin: germline.
Comment: The TTN c.19426+2T>A variant is predicted to disrupt the GT donor site and interfere with normal splicing. This variant has been reported in an individual from a large limb girdle muscular dystrophy cohort study; however, it was not clear if a second TTN variant was present (Table S4 in Töpf et al 2020. PubMed ID: 32528171). This variant was reported in the compound heterozygous state with a TTN nonsense variant in two siblings diagnosed with centronuclear myopathy (reported as c.19651+2T>A in Supp. Table 3/Table 2 and c.19426+2T>A in fig. 2 in Rees et al. 2021. PubMed ID: 33449170). This variant was also reported with a second loss-of-function TTN variant in two unrelated individuals with features of autosomal recessive TTN-related disorders (Patient 29, Natera-de Benito et al 2020. PubMed ID: 33333461; Salih et al. 2021. PubMed ID: 34918981). RNA analysis from an affected individual's muscle biopsy confirmed this variant results in exon 67 skipping (r.19148_r.19426del; Savarese et al. 2020. PubMed ID: 32597815). This variant has not been reported in a large population database (gnomAD), indicating it is rare. RNAseq studies from heart tissue indicate this exon is not commonly included in TTN mRNA transcripts (PSI of 6%, Roberts et al. 2015. PubMed ID: 25589632). Of note, TTN truncating variants are reported in 1-2% of presumably healthy individuals but occur more frequently in exons with low PSI values, indicating this variant is less likely to cause autosomal dominant TTN cardiac disorders (Roberts et al. 2015. PubMed ID: 25589632; Herman et al. 2012. PubMed ID: 22335739). However, many cases of recessive congenital titinopathies in which the individual is compound heterozygous for two loss of function variants in TTN have also been reported (see Ceyhan-Birsoy et al. 2013. PubMed ID: 23975875; Chauveau et al. 2014. PubMed ID: 24105469; Evilä et al. 2016. PubMed ID: 27796757; Ge et al. 2019. PubMed ID: 31053406; Bryen et al. 2020. PubMed ID: 31660661). In summary, the c.19426+2T>A variant is pathogenic for autosomal recessive TTN-related disorders. However, it is uncertain if this variant would be causative for autosomal dominant TTN-related disorders.

Revvity Omics, Revvity
Classification: Uncertain significance. Last evaluated: 2025-04-29. Review status: criteria provided, single submitter. Criteria: ACMG Guidelines, 2015. Collection method: clinical testing. Allele origin: germline.

Labcorp Genetics (formerly Invitae), Labcorp
Classification: Pathogenic for Dilated cardiomyopathy 1G; Autosomal recessive limb-girdle muscular dystrophy type 2J. Last evaluated: 2024-10-28. Review status: criteria provided, single submitter. Criteria: Invitae Variant Classification Sherloc (09022015). Collection method: clinical testing. Allele origin: germline.
Comment: This sequence change affects a donor splice site in intron 66 of the TTN gene. It is expected to disrupt RNA splicing and likely results in a truncated or disrupted TTN protein. This variant is not present in population databases (gnomAD no frequency). Disruption of this splice site has been observed in individuals with autosomal recessive limb-girdle muscular dystrophy and/or clinical features of TTN-related neuromuscular conditions (PMID: 32528171, 33333461, 34918981; internal data). ClinVar contains an entry for this variant (Variation ID: 179861). Algorithms developed to predict the effect of sequence changes on RNA splicing suggest that this variant may disrupt the consensus splice site. This variant is located in the I band of TTN (PMID: 25589632). Truncating variants in this region have been reported in individuals affected with autosomal recessive centronuclear myopathy (PMID: 23975875, internal data). Truncating variants in this region have also been identified in individuals affected with autosomal dominant dilated cardiomyopathy and/or cardio-related conditions (PMID: 27869827, 32964742, internal data). For these reasons, this variant has been classified as Pathogenic.

Genomic Medicine Center of Excellence, King Faisal Specialist Hospital and Research Centre
Classification: Likely pathogenic for Dilated cardiomyopathy 1G. Last evaluated: 2024-03-29. Review status: criteria provided, single submitter. Criteria: ACMG Guidelines, 2015. Collection method: clinical testing. Allele origin: germline.

Women's Health and Genetics/Laboratory Corporation of America, LabCorp
Classification: Likely pathogenic for Autosomal recessive limb-girdle muscular dystrophy type 2J. Last evaluated: 2022-03-15. Review status: criteria provided, single submitter. Criteria: LabCorp Variant Classification Summary - May 2015. Collection method: clinical testing. Allele origin: germline.
Comment: Variant summary: TTN c.15694+2T>A is located in a canonical splice-site and is predicted to affect mRNA splicing resulting in a significantly altered protein due to either exon skipping, shortening, or inclusion of intronic material. Three computational tools predict the variant abolishes a 5' splicing donor site, and one publication has confirmed via cDNA sequencing that this variant causes exon skipping (Savarese_2020). The variant was absent in 242840 control chromosomes (gnomAD). Individuals affected with TTN-related myopathies that were heterozygous for c.15694+2T>A and for another causative TTN variant (confirmed compound heterozygous in at least two occasions), have been reported in the literature (Savarese_2020, Rees_2021, Natera-de Benito_2021, Salih_2021). These data indicate that the variant is likely to be associated with disease. One ClinVar submitter assessed the variant after 2014 (but before the studies utilized in this ascertainment were published), and classified it as uncertain significance. Based on the evidence outlined above, the variant was classified as likely pathogenic.

Eurofins Ntd Llc (ga)
Classification: Uncertain significance. Last evaluated: 2017-10-06. Review status: criteria provided, single submitter. Criteria: EGL Classification Definitions 2015. Collection method: clinical testing. Allele origin: germline. Observed: 1 variant allele, 1 heterozygote.

Laboratory for Molecular Medicine, Mass General Brigham Personalized Medicine
Classification: Uncertain significance. Last evaluated: 2014-08-05. Review status: criteria provided, single submitter. Criteria: LMM Criteria. Collection method: clinical testing. Allele origin: germline. Observed: 1 variant allele.
Comment: Variant classified as Uncertain Significance - Favor Pathogenic. The 15694+2T>A variant in TTN has not been previously reported in the literature or in large po pulation studies. This variant occurs in the invariant region (+/- 1,2) of the s plice consensus sequence and is predicted to cause altered splicing leading to a n abnormal or absent protein. Variants in TTN have been reported in several type s of myopathy including both dominant and recessive forms, and truncating varian ts (such as this variant) in particular have been implicated in autosomal recess ive centronuclear myopathy (Haravuori 2001, Hackman 2002, Lange 2005, Carmignac 2007, Hackman 2008, Ohlsson 2012, Pfeffer 2012, Ceyhan-Birsoy 2013). In addition , splice and other truncating variants in TTN are strongly associated with DCM, particularly if they are located in the exons encoding for the A-band region of the protein (Herman 2012, Pugh 2014). Variants in the I-band, where with variant is located, occur at a greater frequency in controls than in individuals with D CM (Pugh 2014), which decreases (but does not rule out) that this variant has a role in DCM. In summary, while there is some suspicion for a pathogenic role for myopathy and cardiomyopathy, based upon the arguments described above, the clin ical significance of the 15694+2T>A variant is uncertain.

Literature cited by the submitters: PubMed 32528171 (cited by Labcorp Genetics (formerly Invitae), Labcorp and Women's Health and Genetics/Laboratory Corporation of America, LabCorp); PubMed 33333461 (cited by Labcorp Genetics (formerly Invitae), Labcorp and Women's Health and Genetics/Laboratory Corporation of America, LabCorp); PubMed 34918981 (cited by Labcorp Genetics (formerly Invitae), Labcorp and Women's Health and Genetics/Laboratory Corporation of America, LabCorp); PubMed 25589632 (cited by Labcorp Genetics (formerly Invitae), Labcorp); PubMed 23975875 (cited by Labcorp Genetics (formerly Invitae), Labcorp); PubMed 27869827 (cited by Labcorp Genetics (formerly Invitae), Labcorp); PubMed 32964742 (cited by Labcorp Genetics (formerly Invitae), Labcorp); PubMed 33449170 (cited by Women's Health and Genetics/Laboratory Corporation of America, LabCorp); PubMed 32597815 (cited by Women's Health and Genetics/Laboratory Corporation of America, LabCorp).